The following is an entry in ClinVar:

NM_206933.4(USH2A):c.11062C>T (p.Pro3688Ser)

Gene: USH2A (usherin; minus strand). Cytogenetic location: 1q41.
Variant type: single nucleotide variant.
Coding change: c.11062C>T on transcript NM_206933.4 (MANE Select); coding-DNA position 11062, C replaced by T.
Protein change: p.Pro3688Ser; replaces proline 3688 with serine.
Molecular consequence: missense variant.
Genome position (GRCh38, 1-based): chr1:215,759,829, G>A on the plus strand (C>T on the coding strand, the complement: USH2A is on the minus strand). VCF-style: chr1-215759829-G-A. GRCh37 (hg19) VCF-style: chr1-215933171-G-A.
Other names: short protein forms P3688S.
Identifiers: ClinVar variation 968280 (VCV000968280.6), dbSNP rs147214756, ClinGen allele CA1393821.

ClinVar aggregate classification (germline): Uncertain significance. Review status: criteria provided, multiple submitters, no conflicts (2 of 4 stars). 3 submissions from 3 submitters: Uncertain significance (2). 1 of the submissions does not count toward it. Last evaluated 2024-11-03.

Conditions:
Usher syndrome type 2A. Also called: RETINAL DISEASE IN USHER SYNDROME TYPE IIA, MODIFIER OF; USHER SYNDROME, TYPE IIA. Identifiers: Orphanet 231178, Orphanet 886, MedGen C1848634, MONDO:0010169, OMIM 276901.

Allele frequency attached by ClinVar (database versions not stated): gnomAD 0.00007 and 0.00009; TOPMed 0.00007; ESP Exome Variant Server 0.00008.
gnomAD v4.1: 200 of 1,613,794 alleles (0.012%); highest among the groups gnomAD compares: Non-Finnish European, 0.016%; 1 homozygote.

Submissions (3):

Labcorp Genetics (formerly Invitae), Labcorp
Classification: Uncertain significance. Last evaluated: 2024-11-03. Review status: criteria provided, single submitter. Criteria: Invitae Variant Classification Sherloc (09022015). Collection method: clinical testing. Allele origin: germline.
Comment: This sequence change replaces proline, which is neutral and non-polar, with serine, which is neutral and polar, at codon 3688 of the USH2A protein (p.Pro3688Ser). This variant is present in population databases (rs147214756, gnomAD 0.009%). This variant has not been reported in the literature in individuals affected with USH2A-related conditions. ClinVar contains an entry for this variant (Variation ID: 968280). An algorithm developed to predict the effect of missense changes on protein structure and function outputs the following: PolyPhen-2: "Benign". The serine amino acid residue is found in multiple mammalian species, which suggests that this missense change does not adversely affect protein function. In summary, the available evidence is currently insufficient to determine the role of this variant in disease. Therefore, it has been classified as a Variant of Uncertain Significance.

Blueprint Genetics
Classification: Uncertain significance. Last evaluated: 2022-12-01. Review status: criteria provided, single submitter. Criteria: ACMG Guidelines, 2015. Collection method: clinical testing. Allele origin: germline.

Natera, Inc.
Classification: Uncertain significance for Usher syndrome type 2A. Last evaluated: 2020-01-24. Review status: no assertion criteria provided. Collection method: clinical testing. Allele origin: germline. Not counted in ClinVar's aggregate classification.